The following is an entry in ClinVar:

ClinVar aggregate classification (germline): Uncertain significance (1 of 4 stars; one submission).

Submission:

Labcorp Genetics (formerly Invitae), Labcorp
Classification: Uncertain significance. Last evaluated: 2025-04-20. Review status: criteria provided, single submitter. Criteria: Invitae Variant Classification Sherloc (09022015). Collection method: clinical testing. Allele origin: germline.
Comment: This sequence change replaces alanine, which is neutral and non-polar, with threonine, which is neutral and polar, at codon 316 of the GNAS protein (p.Ala316Thr). This variant is not present in population databases (gnomAD no frequency). This variant has not been reported in the literature in individuals affected with GNAS-related conditions. Invitae Evidence Modeling of protein sequence and biophysical properties (such as structural, functional, and spatial information, amino acid conservation, physicochemical variation, residue mobility, and thermodynamic stability) indicates that this missense variant is expected to disrupt GNAS protein function with a positive predictive value of 80%. In summary, the available evidence is currently insufficient to determine the role of this variant in disease. Therefore, it has been classified as a Variant of Uncertain Significance.

NM_000516.7(GNAS):c.946G>A (p.Ala316Thr)

Gene: GNAS (GNAS complex locus; plus strand). Cytogenetic location: 20q13.32.
Variant type: single nucleotide variant.
Coding change: c.946G>A on transcript NM_000516.7 (MANE Select); coding-DNA position 946, G replaced by A.
Protein change: p.Ala316Thr; replaces alanine 316 with threonine.
Molecular consequence: missense variant. On other transcripts: 3 prime UTR variant (2).
Genome position (GRCh38, 1-based): chr20:58,910,057, G>A. VCF-style: chr20-58910057-G-A. GRCh37 (hg19) VCF-style: chr20-57485112-G-A.
Other names: c.949G>A, p.Ala317Thr (NM_001077488.5); c.901G>A, p.Ala301Thr (NM_001077489.4); c.*807G>A (NM_001077490.3); c.769G>A, p.Ala257Thr (NM_001309840.2, NM_001309861.2, NM_001438276.1 and 1 more transcripts); c.850G>A, p.Ala284Thr (NM_001410912.1); c.2830G>A, p.Ala944Thr (NM_001410913.1); c.724G>A, p.Ala242Thr (NM_001438273.1, NM_001438274.1, NM_001438275.1); c.*852G>A (NM_016592.5); and 2 more; short protein forms A242T, A257T, A284T, A301T, A302T, A316T, A317T, A944T.
Identifiers: ClinVar variation 4797039 (VCV004797039.1).
Genomic context (GRCh38, chr20:58,910,057, plus strand): 5'-CTGCTCGCTGAGAAAGTCCTTGCTGGGAAATCGAAGATTGAGGACTACTTTCCAGAATTT[G>A]CTCGCTACACTACTCCTGAGGATGGTGTGTATGGCTTCCACTCTTGCTGGCTGTTCATTG-3'
Protein context (NP_000507.1, residues 306-326): SKIEDYFPEF[Ala316Thr]RYTTPEDATP